The following is an entry in ClinVar:

GRCh38/hg38 16p13.3(chr16:6245158-6327302)x1

Gene: RBFOX1 (RNA binding fox-1 homolog 1; plus strand). Cytogenetic location: 16p13.3.
Variant type: copy number loss.
Change: copy number 1 (one copy instead of two) of chr16:6,245,158-6,327,302 (82.1 kb, GRCh38 coordinates, 1-based), cytogenetic band 16p13.3.
Identifiers: ClinVar variation 59460 (VCV000059460.2).

ClinVar aggregate classification (germline): Pathogenic (1 of 4 stars; one submission).

Submission:

ISCA Site 6
Classification: Pathogenic. Last evaluated: 2011-08-12. Review status: criteria provided, single submitter. Criteria: Kaminsky et al. (Genet Med. 2011). Collection method: clinical testing. Allele origin: unknown. Affected: yes. Observed: 1 variant allele.
Comment: Copy number variation identified through the course of routine clinical cytogenomic testing in postnatal populations. Clinical assertions have been curated as described in Kaminsky et al. 2011.